The following is an entry in ClinVar:

NM_020754.4(ARHGAP31):c.2377G>T (p.Glu793Ter)

Gene: ARHGAP31 (Rho GTPase activating protein 31; plus strand). Cytogenetic location: 3q13.33.
Variant type: single nucleotide variant.
Coding change: c.2377G>T on transcript NM_020754.4 (MANE Select); coding-DNA position 2377, G replaced by T.
Protein change: p.Glu793Ter; replaces glutamic acid 793 with a stop codon.
Molecular consequence: nonsense.
Genome position (GRCh38, 1-based): chr3:119,414,306, G>T. VCF-style: chr3-119414306-G-T. GRCh37 (hg19) VCF-style: chr3-119133153-G-T.
Other names: short protein forms E793*.
Identifiers: ClinVar variation 4891111 (VCV004891111.1).

ClinVar aggregate classification (germline): Likely pathogenic (1 of 4 stars; one submission).

Conditions:
Adams-Oliver syndrome 1 (AOS1). Also called: ABSENCE DEFECT OF LIMBS, SCALP, AND SKULL; CONGENITAL SCALP DEFECTS WITH DISTAL LIMB REDUCTION ANOMALIES; APLASIA CUTIS CONGENITA WITH TERMINAL TRANSVERSE LIMB DEFECTS. Identifiers: Orphanet 974, MedGen C4551482, MONDO:0024506, OMIM 100300.

Submission:

Greenwood Genetic Center Diagnostic Laboratories, Greenwood Genetic Center
Classification: Likely pathogenic for Adams-Oliver syndrome 1. Last evaluated: 2026-05-29. Review status: criteria provided, single submitter. Criteria: ACMG Guidelines, 2015. Collection method: clinical testing. Allele origin: germline. Affected: yes.
Comment: PVS1_Strong, PM2